The following is an entry in ClinVar:

ClinVar aggregate classification (germline): Uncertain significance. Review status: criteria provided, multiple submitters, no conflicts (2 of 4 stars). 2 submissions from 2 submitters: Uncertain significance (2). Last evaluated 2024-11-05.

Conditions:
Inborn genetic diseases. Identifiers: MedGen C0950123, MeSH D030342.

Allele frequency attached by ClinVar (database versions not stated): gnomAD 0.00005.
gnomAD v4.1: 14 of 1,609,626 alleles (0.00087%); highest among the groups gnomAD compares: Admixed American, 0.015%; no homozygotes.

Submissions (2):

Labcorp Genetics (formerly Invitae), Labcorp
Classification: Uncertain significance. Last evaluated: 2024-11-05. Review status: criteria provided, single submitter. Criteria: Invitae Variant Classification Sherloc (09022015). Collection method: clinical testing. Allele origin: germline.
Comment: This sequence change replaces alanine, which is neutral and non-polar, with serine, which is neutral and polar, at codon 1790 of the MPDZ protein (p.Ala1790Ser). This variant is present in population databases (rs757171783, gnomAD 0.003%). This variant has not been reported in the literature in individuals affected with MPDZ-related conditions. ClinVar contains an entry for this variant (Variation ID: 1443664). An algorithm developed to predict the effect of missense changes on protein structure and function (PolyPhen-2) suggests that this variant is likely to be disruptive. In summary, the available evidence is currently insufficient to determine the role of this variant in disease. Therefore, it has been classified as a Variant of Uncertain Significance.

Ambry Genetics
Classification: Uncertain significance for Inborn genetic diseases. Last evaluated: 2023-09-26. Review status: criteria provided, single submitter. Criteria: Ambry Variant Classification Scheme 2023. Collection method: clinical testing. Allele origin: germline.

NM_001378778.1(MPDZ):c.5368G>T (p.Ala1790Ser)

Gene: MPDZ (multiple PDZ domain crumbs cell polarity complex component; minus strand). Cytogenetic location: 9p23.
Variant type: single nucleotide variant.
Coding change: c.5368G>T on transcript NM_001378778.1 (MANE Select); coding-DNA position 5368, G replaced by T.
Protein change: p.Ala1790Ser; replaces alanine 1790 with serine.
Molecular consequence: missense variant.
Genome position (GRCh38, 1-based): chr9:13,119,513, C>A on the plus strand (G>T on the coding strand, the complement: MPDZ is on the minus strand). VCF-style: chr9-13119513-C-A. GRCh37 (hg19) VCF-style: chr9-13119512-C-A.
Other names: c.5269G>T, p.Ala1757Ser (NM_001261406.2, NM_001261407.2, NM_001375416.1 and 3 more transcripts); c.5368G>T, p.Ala1790Ser (NM_001330637.2, NM_003829.5); c.5467G>T, p.Ala1823Ser (NM_001375413.1); c.5158G>T, p.Ala1720Ser (NM_001375420.1, NM_001375421.1, NM_001375422.1 and 4 more transcripts); c.4960G>T, p.Ala1654Ser (NM_001375427.1); c.5368G>T (NM_003829.3); short protein forms A1654S, A1823S, A1720S, A1790S, A1757S.
Identifiers: ClinVar variation 1443664 (VCV001443664.8), dbSNP rs757171783, ClinGen allele CA4986332.